The following is an entry in ClinVar:

ClinVar aggregate classification (germline): Uncertain significance. Review status: criteria provided, multiple submitters, no conflicts (2 of 4 stars). 2 submissions from 2 submitters: Uncertain significance (2). Last evaluated 2025-05-03.

Conditions:
DICER1-related tumor predisposition. Also called: DICER1-related pleuropulmonary blastoma cancer predisposition syndrome; DICER1 syndrome. Identifiers: Orphanet 284343, MedGen C3839822, MONDO:0100216.
Hereditary cancer-predisposing syndrome. Also called: Neoplastic Syndromes, Hereditary; Hereditary neoplastic syndrome; Hereditary Cancer Syndrome; Tumor predisposition. Identifiers: Orphanet 140162, MedGen C0027672, MeSH D009386, MONDO:0015356.

Allele frequency attached by ClinVar (database versions not stated): gnomAD exomes below 0.00001.
gnomAD v4.1: 4 of 1,613,938 alleles (0.00025%); highest among the groups gnomAD compares: Non-Finnish European, 0.00034%; no homozygotes.

Submissions (2):

Ambry Genetics
Classification: Uncertain significance for Hereditary cancer-predisposing syndrome. Last evaluated: 2025-05-03. Review status: criteria provided, single submitter. Criteria: Ambry Variant Classification Scheme 2023. Collection method: clinical testing. Allele origin: germline.
Comment: The p.I229T variant (also known as c.686T>C), located in coding exon 5 of the DICER1 gene, results from a T to C substitution at nucleotide position 686. The isoleucine at codon 229 is replaced by threonine, an amino acid with similar properties. This amino acid position is highly conserved in available vertebrate species. In addition, this alteration is predicted to be tolerated by in silico analysis. Based on the available evidence, the clinical significance of this variant remains unclear.

Labcorp Genetics (formerly Invitae), Labcorp
Classification: Uncertain significance for DICER1-related tumor predisposition. Last evaluated: 2024-11-06. Review status: criteria provided, single submitter. Criteria: Invitae Variant Classification Sherloc (09022015). Collection method: clinical testing. Allele origin: germline.
Comment: This sequence change replaces isoleucine, which is neutral and non-polar, with threonine, which is neutral and polar, at codon 229 of the DICER1 protein (p.Ile229Thr). This variant is not present in population databases (gnomAD no frequency). This variant has not been reported in the literature in individuals affected with DICER1-related conditions. ClinVar contains an entry for this variant (Variation ID: 947446). Invitae Evidence Modeling of protein sequence and biophysical properties (such as structural, functional, and spatial information, amino acid conservation, physicochemical variation, residue mobility, and thermodynamic stability) indicates that this missense variant is not expected to disrupt DICER1 protein function with a negative predictive value of 95%. In summary, the available evidence is currently insufficient to determine the role of this variant in disease. Therefore, it has been classified as a Variant of Uncertain Significance.

NM_177438.3(DICER1):c.686T>C (p.Ile229Thr)

Gene: DICER1 (dicer 1, ribonuclease III; minus strand). Cytogenetic location: 14q32.13.
Variant type: single nucleotide variant.
Coding change: c.686T>C on transcript NM_177438.3 (MANE Select); coding-DNA position 686, T replaced by C.
Protein change: p.Ile229Thr; replaces isoleucine 229 with threonine.
Molecular consequence: missense variant.
Genome position (GRCh38, 1-based): chr14:95,129,520, A>G on the plus strand (T>C on the coding strand, the complement: DICER1 is on the minus strand). VCF-style: chr14-95129520-A-G. GRCh37 (hg19) VCF-style: chr14-95595857-A-G.
Other names: c.686T>C, p.Ile229Thr (NM_001195573.1, NM_001271282.3, NM_001291628.2 and 1 more transcripts); short protein forms I229T.
Identifiers: ClinVar variation 947446 (VCV000947446.12), dbSNP rs1566810524, ClinGen allele CA390888061.